The following is an entry in ClinVar:

NM_004526.4(MCM2):c.2013+9_2013+10inv

Gene: MCM2 (minichromosome maintenance complex component 2; plus strand). Cytogenetic location: 3q21.3.
Variant type: Inversion.
Coding change: c.2013+9_2013+10inv on transcript NM_004526.4 (MANE Select).
Molecular consequence: intron variant.
Genome position: GRCh38 VCF-style: chr3-127618090-CA-TG. GRCh37 (hg19) VCF-style: chr3-127336933-CA-TG.
Identifiers: ClinVar variation 3021990 (VCV003021990.3), ClinGen allele CA2740094587.
Genomic context (GRCh38, chr3:127,618,090, plus strand): 5'-CTCACGCTTTGACATCCTGTGTGTGGTGAGGGACACCGTGGACCCAGTCCAGGTATAGCT[CA>TG]CATGTGCCCGGTTTCCATGAACTGTGGTTTGGGGACCTCAGGTGAGGCTTGGGGTCATAC-3'

ClinVar aggregate classification (germline): Uncertain significance (1 of 4 stars; one submission).

Submission:

Labcorp Genetics (formerly Invitae), Labcorp
Classification: Uncertain significance. Last evaluated: 2022-12-26. Review status: criteria provided, single submitter. Criteria: Invitae Variant Classification Sherloc (09022015). Collection method: clinical testing. Allele origin: germline.
Comment: This sequence change falls in intron 12 of the MCM2 gene. It does not directly change the encoded amino acid sequence of the MCM2 protein. In summary, the available evidence is currently insufficient to determine the role of this variant in disease. Therefore, it has been classified as a Variant of Uncertain Significance. Experimental studies and prediction algorithms are not available or were not evaluated, and the effect of this variant on mRNA splicing is currently unknown. This variant has not been reported in the literature in individuals affected with MCM2-related conditions. Information on the frequency of this variant in the gnomAD database is not available, as this variant may be reported differently in the database.